The following is an entry in ClinVar:

ClinVar aggregate classification (germline): Uncertain significance (1 of 4 stars; one submission).

Conditions:
Primary ciliary dyskinesia. Also called: Ciliary dyskinesia. Identifiers: Orphanet 244, MedGen C0008780, MONDO:0016575, HP:0012265.

Allele frequency attached by ClinVar (database versions not stated): ExAC 0.00001; gnomAD exomes 0.00001; TOPMed 0.00002.
gnomAD v4.1: 19 of 1,613,392 alleles (0.0012%); highest among the groups gnomAD compares: Admixed American, 0.0033%; no homozygotes.

Submission:

Ambry Genetics
Classification: Uncertain significance for Primary ciliary dyskinesia. Last evaluated: 2023-04-16. Review status: criteria provided, single submitter. Criteria: Ambry Variant Classification Scheme 2023. Collection method: clinical testing. Allele origin: germline.
Comment: The p.A1205V variant (also known as c.3614C>T), located in coding exon 24 of the DNAH5 gene, results from a C to T substitution at nucleotide position 3614. The alanine at codon 1205 is replaced by valine, an amino acid with similar properties. This amino acid position is conserved. In addition, this alteration is predicted to be tolerated by in silico analysis. Since supporting evidence is limited at this time, the clinical significance of this alteration remains unclear.

NM_001369.3(DNAH5):c.3614C>T (p.Ala1205Val)

Genes: DNAH5 (dynein axonemal heavy chain 5; minus strand), DNAH5-AS1 (DNAH5 antisense RNA 1; plus strand). Cytogenetic location: 5p15.2.
Variant type: single nucleotide variant.
Coding change: c.3614C>T on transcript NM_001369.3 (MANE Select); coding-DNA position 3614, C replaced by T.
Protein change: p.Ala1205Val; replaces alanine 1205 with valine.
Molecular consequence: missense variant.
Genome position (GRCh38, 1-based): chr5:13,870,987, G>A on the plus strand (C>T on the coding strand, the complement: DNAH5 is on the minus strand). VCF-style: chr5-13870987-G-A. GRCh37 (hg19) VCF-style: chr5-13871096-G-A.
Other names: short protein forms A1205V.
Identifiers: ClinVar variation 2565917 (VCV002565917.2), dbSNP rs755018988, ClinGen allele CA3204214.